The following is an entry in ClinVar:

ClinVar aggregate classification (germline): Uncertain significance (1 of 4 stars; one submission).

Conditions:
Myopathy, centronuclear, 2 (CNM2). Also called: MYOTUBULAR MYOPATHY, AUTOSOMAL RECESSIVE. Identifiers: Orphanet 169186, MedGen CN031787, MONDO:0009709, OMIM 255200.

Submission:

Labcorp Genetics (formerly Invitae), Labcorp
Classification: Uncertain significance for Myopathy, centronuclear, 2. Last evaluated: 2025-07-19. Review status: criteria provided, single submitter. Criteria: Invitae Variant Classification Sherloc (09022015). Collection method: clinical testing. Allele origin: germline.
Comment: This sequence change replaces asparagine, which is neutral and polar, with serine, which is neutral and polar, at codon 554 of the BIN1 protein (p.Asn554Ser). This variant is not present in population databases (gnomAD no frequency). This variant has not been reported in the literature in individuals affected with BIN1-related conditions. Invitae Evidence Modeling of protein sequence and biophysical properties (such as structural, functional, and spatial information, amino acid conservation, physicochemical variation, residue mobility, and thermodynamic stability) indicates that this missense variant is not expected to disrupt BIN1 protein function with a negative predictive value of 80%. In summary, the available evidence is currently insufficient to determine the role of this variant in disease. Therefore, it has been classified as a Variant of Uncertain Significance.

NM_139343.3(BIN1):c.1661A>G (p.Asn554Ser)

Gene: BIN1 (bridging integrator 1; minus strand). Cytogenetic location: 2q14.3.
Variant type: single nucleotide variant.
Coding change: c.1661A>G on transcript NM_139343.3 (MANE Select); coding-DNA position 1661, A replaced by G.
Protein change: p.Asn554Ser; replaces asparagine 554 with serine.
Molecular consequence: missense variant.
Genome position (GRCh38, 1-based): chr2:127,050,434, T>C on the plus strand (A>G on the coding strand, the complement: BIN1 is on the minus strand). VCF-style: chr2-127050434-T-C. GRCh37 (hg19) VCF-style: chr2-127808010-T-C.
Other names: c.1199A>G, p.Asn400Ser (NM_139350.3); c.1109A>G, p.Asn370Ser (NM_139351.3); c.1154A>G, p.Asn385Ser (NM_001320632.2); c.1292A>G, p.Asn431Ser (NM_001320633.2); c.1037A>G, p.Asn346Ser (NM_001320634.1); c.1421A>G, p.Asn474Ser (NM_001320640.2); c.1568A>G, p.Asn523Ser (NM_001320641.2); c.1580A>G, p.Asn527Ser (NM_001320642.1); and 7 more; short protein forms N346S, N479S, N527S, N385S, N431S, N436S, N467S, N554S.
Identifiers: ClinVar variation 4738410 (VCV004738410.1).
Genomic context (GRCh38, chr2:127,050,434, plus strand): 5'-GATGCCTGTGGTCCCCCTGCGCTCTGGCGGCCCCACCCAGCCCTCACCTGCTCTTCAGGG[T>C]TCTGGAAGGGGATCACCAGCACCACATCACCAGCCTTGAGCTGCAGCTCGTCTGTGTCAG-3'
Protein context (NP_647593.1, residues 544-564): GDVVLVIPFQ[Asn554Ser]PEEQDEGWLM